The following is an entry in ClinVar:

NM_153603.4(COG7):c.938G>A (p.Arg313Lys)

Gene: COG7 (component of oligomeric golgi complex 7; minus strand). Cytogenetic location: 16p12.2.
Variant type: single nucleotide variant.
Coding change: c.938G>A on transcript NM_153603.4 (MANE Select); coding-DNA position 938, G replaced by A.
Protein change: p.Arg313Lys; replaces arginine 313 with lysine.
Molecular consequence: missense variant.
Genome position (GRCh38, 1-based): chr16:23,424,820, C>T on the plus strand (G>A on the coding strand, the complement: COG7 is on the minus strand). VCF-style: chr16-23424820-C-T. GRCh37 (hg19) VCF-style: chr16-23436141-C-T.
Other names: c.938G>A (NM_153603.3); short protein forms R313K.
Identifiers: ClinVar variation 2199114 (VCV002199114.2), dbSNP rs116061107, ClinGen allele CA7961136.
Genomic context (GRCh38, chr16:23,424,820, plus strand): 5'-AGCAGTGCCATCTCCAAGCCCTTGGCGAAGTGGGCGGTGGCGTCGTAGAACTCCAGCAGC[C>T]TGGTGAGCTCCTGCTCGGGCCCTGCCCTCTCCACGCCGTTGCTGAGGCAGGAGGGCAGCG-3'
Protein context (NP_705831.1, residues 303-323): ERAGPEQELT[Arg313Lys]LLEFYDATAH

ClinVar aggregate classification (germline): Conflicting classifications of pathogenicity. Review status: criteria provided, conflicting classifications (1 of 4 stars). 2 submissions from 2 submitters: Uncertain significance (1); Likely benign (1). Last evaluated 2025-08-26.

Conditions:
COG7 congenital disorder of glycosylation (CDG2E). Also called: CONGENITAL DISORDER OF GLYCOSYLATION, TYPE IIe; CDG IIe. Identifiers: Orphanet 79333, MedGen C2931010, MONDO:0012118, OMIM 608779.
Inborn genetic diseases. Identifiers: MedGen C0950123, MeSH D030342.

Allele frequency attached by ClinVar (database versions not stated): TOPMed 0.00003; ExAC 0.00009; gnomAD 0.00013; gnomAD exomes 0.00026; 1000 Genomes Project 30x 0.00062; 1000 Genomes Project 0.00080.
gnomAD v4.1: 387 of 1,614,256 alleles (0.024%); highest among the groups gnomAD compares: East Asian, 0.84%; 5 homozygotes.

Submissions (2):

Ambry Genetics
Classification: Likely benign for Inborn genetic diseases. Last evaluated: 2025-08-26. Review status: criteria provided, single submitter. Criteria: Ambry Variant Classification Scheme 2023. Collection method: clinical testing. Allele origin: germline.

Labcorp Genetics (formerly Invitae), Labcorp
Classification: Uncertain significance for COG7 congenital disorder of glycosylation. Last evaluated: 2022-03-05. Review status: criteria provided, single submitter. Criteria: Invitae Variant Classification Sherloc (09022015). Collection method: clinical testing. Allele origin: germline.
Comment: This sequence change replaces arginine, which is basic and polar, with lysine, which is basic and polar, at codon 313 of the COG7 protein (p.Arg313Lys). This variant is present in population databases (rs116061107, gnomAD 0.07%). This variant has not been reported in the literature in individuals affected with COG7-related conditions. Algorithms developed to predict the effect of missense changes on protein structure and function output the following: SIFT: "Tolerated"; PolyPhen-2: "Benign"; Align-GVGD: "Class C0". The lysine amino acid residue is found in multiple mammalian species, which suggests that this missense change does not adversely affect protein function. In summary, the available evidence is currently insufficient to determine the role of this variant in disease. Therefore, it has been classified as a Variant of Uncertain Significance.